The following is an entry in ClinVar:

ClinVar aggregate classification (germline): Benign. Review status: criteria provided, multiple submitters, no conflicts (2 of 4 stars). 4 submissions from 4 submitters: Benign (4). Last evaluated 2026-02-01.

Conditions:
Immunodeficiency 35 (IMD35). Also called: HIES WITH ATYPICAL MYCOBACTERIOSIS, AUTOSOMAL RECESSIVE; HYPER-IgE SYNDROME WITH ATYPICAL MYCOBACTERIOSIS, AUTOSOMAL RECESSIVE; TYK2 DEFICIENCY; Susceptibility to infection due to TYK2 deficiency. Identifiers: Orphanet 331226, MedGen C1969086, MONDO:0012682, OMIM 611521.

Allele frequency attached by ClinVar (database versions not stated): ESP Exome Variant Server 0.00123; gnomAD 0.00244 and 0.00283; gnomAD exomes 0.00300; TOPMed 0.00446; ExAC 0.00710; 1000 Genomes Project 0.00799; 1000 Genomes Project 30x 0.00828.

Submissions (4):

Labcorp Genetics (formerly Invitae), Labcorp
Classification: Benign for Immunodeficiency 35. Last evaluated: 2026-02-01. Review status: criteria provided, single submitter. Criteria: Invitae Variant Classification Sherloc (09022015). Collection method: clinical testing. Allele origin: germline.

Illumina Laboratory Services, Illumina
Classification: Benign for Immunodeficiency 35. Last evaluated: 2018-01-12. Review status: criteria provided, single submitter. Criteria: ICSL Variant Classification Criteria 13 December 2019. Collection method: clinical testing. Allele origin: germline.
Comment: This variant was observed in the ICSL laboratory as part of a predisposition screen in an ostensibly healthy population. It had not been previously curated by ICSL or reported in the Human Gene Mutation Database (HGMD: prior to June 1st, 2018), and was therefore a candidate for classification through an automated scoring system. Utilizing variant allele frequency, disease prevalence and penetrance estimates, and inheritance mode, an automated score was calculated to assess if this variant is too frequent to cause the disease. Based on the score and internal cut-off values, a variant classified as benign is not then subjected to further curation. The score for this variant resulted in a classification of benign for this disease.

GeneDx
Classification: Benign. Last evaluated: 2015-03-03. Review status: criteria provided, single submitter. Criteria: GeneDx Variant Classification Process June 2021. Collection method: clinical testing. Allele origin: germline. Affected: yes.
Comment: This variant is associated with the following publications: (PMID: 31118190, 28842327)

Breakthrough Genomics
Classification: Benign. Review status: criteria provided, single submitter. Criteria: ACMG Guidelines, 2015. Collection method: not provided. Allele origin: germline. Inheritance: Autosomal recessive inheritance. Affected: yes.

NM_003331.5(TYK2):c.2107C>T (p.Arg703Trp)

Gene: TYK2 (tyrosine kinase 2; minus strand). Cytogenetic location: 19p13.2.
Variant type: single nucleotide variant.
Coding change: c.2107C>T on transcript NM_003331.5 (MANE Select); coding-DNA position 2107, C replaced by T.
Protein change: p.Arg703Trp; replaces arginine 703 with tryptophan.
Molecular consequence: missense variant.
Genome position (GRCh38, 1-based): chr19:10,359,243, G>A on the plus strand (C>T on the coding strand, the complement: TYK2 is on the minus strand). VCF-style: chr19-10359243-G-A. GRCh37 (hg19) VCF-style: chr19-10469919-G-A.
Other names: c.2107C>T (LRG_121t1); short protein forms R703W.
Identifiers: ClinVar variation 327942 (VCV000327942.19), dbSNP rs55882956, ClinGen allele CA9193179.
Genomic context (GRCh38, chr19:10,359,243, plus strand): 5'-TGAGGGCGCTGGCCAGCTGCTGGGCCACCACCATCTTCCAAGCCATGGGCACATGGCCCC[G>A]CTCCCTCCGCAGCCACACATCCAGGGGTCCGTGCTCCACGTACTCTGTCACCATGATATC-3'
Protein context (NP_003322.3, residues 693-713): GPLDVWLRRE[Arg703Trp]GHVPMAWKMV